The following is an entry in ClinVar:

NM_014516.4(CNOT3):c.1186_1191dup (p.Gly397_Gly398insSerGly)

Gene: CNOT3 (CCR4-NOT transcription complex subunit 3; plus strand). Cytogenetic location: 19q13.42.
Variant type: Duplication.
Coding change: c.1186_1191dup on transcript NM_014516.4 (MANE Select); coding-DNA positions 1186 to 1191, 6 bases duplicated (AGCGGA; older notation c.1186_1191dupAGCGGA).
Protein change: p.Gly397_Gly398insSerGly.
Genome position (GRCh38, 1-based): chr19:54,148,439-54,148,444, AGCGGA duplicated. VCF-style (leftmost placement, unchanged base first): chr19-54148438-T-TAGCGGA. GRCh37 (hg19) VCF-style: chr19-54652173-T-TAGCGGA.
Identifiers: ClinVar variation 3897290 (VCV003897290.1).
Genomic context (GRCh38, chr19:54,148,438, plus strand): 5'-GGCCCCACCAGCTCCCAGTGGGCCCAGCACGACCCAGCCCCGGCCCCCCAGCGTCCAGCC[T>TAGCGGA]AGCGGAGGCGGAGGCGGCGGCAGCGGAGGCGGAGGGAGCAGCAGCAGTAGTAACAGCAGT-3'

ClinVar aggregate classification (germline): Uncertain significance (1 of 4 stars; one submission).

Submission:

GeneDx
Classification: Uncertain significance. Last evaluated: 2024-11-05. Review status: criteria provided, single submitter. Criteria: GeneDx Variant Classification Process June 2021. Collection method: clinical testing. Allele origin: germline. Affected: yes.
Comment: In-frame duplication of 2 amino acid(s) in a non-repeat region; Has not been previously published as pathogenic or benign to our knowledge